The following is an entry in ClinVar:

ClinVar aggregate classification (germline): Uncertain significance (1 of 4 stars; one submission).

gnomAD v4.1: 6 of 1,614,196 alleles (0.00037%); highest among the groups gnomAD compares: Non-Finnish European, 0.00051%; no homozygotes.

Submission:

Women's Health and Genetics/Laboratory Corporation of America, LabCorp
Classification: Uncertain significance. Last evaluated: 2026-06-18. Review status: criteria provided, single submitter. Criteria: LabCorp Variant Classification Summary - May 2015. Collection method: clinical testing. Allele origin: germline.
Comment: Variant summary: COL9A1 c.1554T>G (p.Asp518Glu) results in a conservative amino acid change in the encoded protein sequence. Algorithms developed to predict the effect of missense changes on protein structure and function all suggest that this variant is likely to be tolerated. The variant was absent in 251350 control chromosomes. The available data on variant occurrences in the general population are insufficient to allow any conclusion about variant significance. To our knowledge, no occurrence of c.1554T>G in individuals affected with COL9A1-related conditions and no experimental evidence demonstrating its impact on protein function have been reported. No submitters have cited clinical-significance assessments for this variant to ClinVar. Based on the evidence outlined above, the variant was classified as uncertain significance.

NM_001851.6(COL9A1):c.1554T>G (p.Asp518Glu)

Gene: COL9A1 (collagen type IX alpha 1 chain; minus strand). Cytogenetic location: 6q13.
Variant type: single nucleotide variant.
Coding change: c.1554T>G on transcript NM_001851.6 (MANE Select); coding-DNA position 1554, T replaced by G.
Protein change: p.Asp518Glu; replaces aspartic acid 518 with glutamic acid.
Molecular consequence: missense variant. On other transcripts: non-coding transcript variant (1).
Genome position (GRCh38, 1-based): chr6:70,255,340, A>C on the plus strand (T>G on the coding strand, the complement: COL9A1 is on the minus strand). VCF-style: chr6-70255340-A-C. GRCh37 (hg19) VCF-style: chr6-70965043-A-C.
Other names: c.825T>G, p.Asp275Glu (NM_001377289.1, NM_001377290.1, NM_078485.4); short protein forms D275E, D518E.
Identifiers: ClinVar variation 4887129 (VCV004887129.1).